The following is an entry in ClinVar:

ClinVar aggregate classification (germline): Pathogenic/Likely pathogenic. Review status: criteria provided, multiple submitters, no conflicts (2 of 4 stars). 2 submissions from 2 submitters: Pathogenic (1); Likely pathogenic (1). Last evaluated 2026-01-23.

Allele frequency attached by ClinVar (database versions not stated): gnomAD 0.00001; gnomAD exomes below 0.00001; TOPMed below 0.00001; ExAC 0.00001.
gnomAD v4.1: 6 of 1,614,022 alleles (0.00037%); highest among the groups gnomAD compares: Admixed American, 0.0017%; no homozygotes.

Submissions (2):

Dasa
Classification: Likely pathogenic. Last evaluated: 2026-01-23. Review status: criteria provided, single submitter. Criteria: DASA Assertion Criteria. Collection method: clinical testing. Allele origin: germline.
Comment: NM_152281.3(GORAB):c.14G>A (p.Trp5*) is a nonsense variant in GORAB predicted to introduce a premature termination codon and is predicted to result in an absent or altered protein product. Loss of function is an established disease mechanism for GORAB-associated disorders. Also, this variant is rare in population databases. Based on the currently available evidence, this variant is classified as likely pathogenic.

Labcorp Genetics (formerly Invitae), Labcorp
Classification: Pathogenic. Last evaluated: 2025-03-13. Review status: criteria provided, single submitter. Criteria: Invitae Variant Classification Sherloc (09022015). Collection method: clinical testing. Allele origin: germline.
Comment: This sequence change creates a premature translational stop signal (p.Trp30*) in the GORAB gene. It is expected to result in an absent or disrupted protein product. Loss-of-function variants in GORAB are known to be pathogenic (PMID: 18997784, 19681135). This variant is present in population databases (rs761242807, gnomAD 0.003%). This variant has not been reported in the literature in individuals affected with GORAB-related conditions. ClinVar contains an entry for this variant (Variation ID: 2832462). For these reasons, this variant has been classified as Pathogenic.

Literature cited by the submitters: PubMed 18997784 (cited by Labcorp Genetics (formerly Invitae), Labcorp); PubMed 19681135 (cited by Labcorp Genetics (formerly Invitae), Labcorp).

NM_152281.3(GORAB):c.14G>A (p.Trp5Ter)

Genes: GORAB (golgin, RAB6 interacting; plus strand), GORAB-AS1 (GORAB antisense RNA 1; minus strand). Cytogenetic location: 1q24.2.
Variant type: single nucleotide variant.
Coding change: c.14G>A on transcript NM_152281.3 (MANE Select); coding-DNA position 14, G replaced by A.
Protein change: p.Trp5Ter; replaces tryptophan 5 with a stop codon.
Molecular consequence: nonsense. On other transcripts: 5 prime UTR variant (1), non-coding transcript variant (1), intron variant (1).
Genome position (GRCh38, 1-based): chr1:170,532,237, G>A. VCF-style: chr1-170532237-G-A. GRCh37 (hg19) VCF-style: chr1-170501378-G-A.
Other names: c.14G>A, p.Trp5Ter (NM_001146039.2); c.-752G>A (NM_001320252.2); c.10+4G>A (NM_001410894.1); short protein forms W5*.
Identifiers: ClinVar variation 2832462 (VCV002832462.5), dbSNP rs761242807, ClinGen allele CA1238992.